The following is an entry in ClinVar:

NM_033026.6(PCLO):c.12698G>C (p.Arg4233Thr)

Gene: PCLO (piccolo presynaptic cytomatrix protein; minus strand). Cytogenetic location: 7q21.11.
Variant type: single nucleotide variant.
Coding change: c.12698G>C on transcript NM_033026.6 (MANE Select); coding-DNA position 12698, G replaced by C.
Protein change: p.Arg4233Thr; replaces arginine 4233 with threonine.
Molecular consequence: missense variant.
Genome position (GRCh38, 1-based): chr7:82,915,288, C>G on the plus strand (G>C on the coding strand, the complement: PCLO is on the minus strand). VCF-style: chr7-82915288-C-G. GRCh37 (hg19) VCF-style: chr7-82544604-C-G.
Other names: c.12698G>C, p.Arg4233Thr (NM_014510.3); short protein forms R4233T.
Identifiers: ClinVar variation 1525484 (VCV001525484.6), dbSNP rs1239757423, ClinGen allele CA367886677.
Genomic context (GRCh38, chr7:82,915,288, plus strand): 5'-TGTTGGTCTGTAATATTTTTTCTGAGGCCAAAAGTGATGTCATCTTGAAGGAGCCTTGCC[C>G]TGGAGGAAATGCCACCAATAGATGAAGTGCTAGAAGTCATATAGCTTGAATAATCAGGTT-3'
Protein context (NP_149015.2, residues 4223-4243): STSSIGGISS[Arg4233Thr]ARLLQDDITF

ClinVar aggregate classification (germline): Uncertain significance (1 of 4 stars; one submission).

Allele frequency attached by ClinVar (database versions not stated): TOPMed below 0.00001; gnomAD 0.00001.
gnomAD v4.1: 2 of 1,613,454 alleles (0.00012%); highest among the groups gnomAD compares: African/African-American, 0.0027%; no homozygotes.

Submission:

Labcorp Genetics (formerly Invitae), Labcorp
Classification: Uncertain significance. Last evaluated: 2022-07-05. Review status: criteria provided, single submitter. Criteria: Invitae Variant Classification Sherloc (09022015). Collection method: clinical testing. Allele origin: germline.
Comment: This sequence change replaces arginine, which is basic and polar, with threonine, which is neutral and polar, at codon 4233 of the PCLO protein (p.Arg4233Thr). This variant is not present in population databases (gnomAD no frequency). This variant has not been reported in the literature in individuals affected with PCLO-related conditions. ClinVar contains an entry for this variant (Variation ID: 1525484). Algorithms developed to predict the effect of missense changes on protein structure and function are either unavailable or do not agree on the potential impact of this missense change (SIFT: "Tolerated"; PolyPhen-2: "Not Available"; Align-GVGD: "Class C0"). In summary, the available evidence is currently insufficient to determine the role of this variant in disease. Therefore, it has been classified as a Variant of Uncertain Significance.